The following is an entry in ClinVar:

NM_001875.5(CPS1):c.*380C>G

Gene: CPS1 (carbamoyl-phosphate synthase 1; plus strand). Cytogenetic location: 2q34.
Variant type: single nucleotide variant.
Coding change: c.*380C>G on transcript NM_001875.5 (MANE Select); 380 bases downstream of the stop codon, C replaced by G.
Molecular consequence: 3 prime UTR variant. On other transcripts: non-coding transcript variant (2).
Genome position (GRCh38, 1-based): chr2:210,678,365, C>G. VCF-style: chr2-210678365-C-G. GRCh37 (hg19) VCF-style: chr2-211543089-C-G.
Other names: c.*380C>G (LRG_336t1, NM_001369257.1, NM_001122633.3 and 1 more transcripts).
Identifiers: ClinVar variation 334043 (VCV000334043.6), dbSNP rs10932349, ClinGen allele CA10612368.

ClinVar aggregate classification (germline): Benign. Review status: criteria provided, multiple submitters, no conflicts (2 of 4 stars). 2 submissions from 2 submitters: Benign (2). Last evaluated 2018-01-13.

Conditions:
Congenital hyperammonemia, type I. Also called: CPS I DEFICIENCY; Carbamoyl phosphate synthetase 1 deficiency; Hyperammonemia due to carbamoyl phosphate synthetase 1 deficiency; CPS 1 deficiency; Carbamyl phosphate synthetase (CPS) deficiency; Carbamoyl phosphate synthetase I deficiency disease. Identifiers: Orphanet 147, MedGen C4082171, MONDO:0009376, OMIM 237300.

Allele frequency attached by ClinVar (database versions not stated): 1000 Genomes Project 0.05990; 1000 Genomes Project 30x 0.06215; gnomAD exomes 0.06905; TOPMed 0.07196; gnomAD 0.07489 and 0.07637.
gnomAD v4.1: 20,992 of 289,180 alleles (7.3%); highest among the groups gnomAD compares: Middle Eastern, 14%; 813 homozygotes.

Submissions (2):

Illumina Laboratory Services, Illumina
Classification: Benign for Congenital hyperammonemia, type I. Last evaluated: 2018-01-13. Review status: criteria provided, single submitter. Criteria: ICSL Variant Classification Criteria 13 December 2019. Collection method: clinical testing. Allele origin: germline.
Comment: This variant was observed in the ICSL laboratory as part of a predisposition screen in an ostensibly healthy population. It had not been previously curated by ICSL or reported in the Human Gene Mutation Database (HGMD: prior to June 1st, 2018), and was therefore a candidate for classification through an automated scoring system. Utilizing variant allele frequency, disease prevalence and penetrance estimates, and inheritance mode, an automated score was calculated to assess if this variant is too frequent to cause the disease. Based on the score and internal cut-off values, a variant classified as benign is not then subjected to further curation. The score for this variant resulted in a classification of benign for this disease.

Breakthrough Genomics
Classification: Benign. Review status: criteria provided, single submitter. Criteria: ACMG Guidelines, 2015. Collection method: not provided. Allele origin: germline. Inheritance: Autosomal recessive inheritance. Affected: yes.